The following is an entry in ClinVar:

NM_020937.4(FANCM):c.6010T>C (p.Ser2004Pro)

Gene: FANCM (FA complementation group M; plus strand). Cytogenetic location: 14q21.2.
Variant type: single nucleotide variant.
Coding change: c.6010T>C on transcript NM_020937.4 (MANE Select); coding-DNA position 6010, T replaced by C.
Protein change: p.Ser2004Pro; replaces serine 2004 with proline.
Molecular consequence: missense variant.
Genome position (GRCh38, 1-based): chr14:45,199,871, T>C. VCF-style: chr14-45199871-T-C. GRCh37 (hg19) VCF-style: chr14-45669074-T-C.
Other names: c.5932T>C, p.Ser1978Pro (NM_001308133.2); short protein forms S1978P, S2004P.
Identifiers: ClinVar variation 2767427 (VCV002767427.3), dbSNP rs760258217, ClinGen allele CA7170117.

ClinVar aggregate classification (germline): Uncertain significance (1 of 4 stars; one submission).

Conditions:
Fanconi anemia (FA). Also called: Fanconi's anemia. Identifiers: Orphanet 84, MedGen C0015625, MeSH D005199, MONDO:0019391.

Allele frequency attached by ClinVar (database versions not stated): TOPMed below 0.00001; ExAC 0.00001.
gnomAD v4.1: 4 of 1,612,028 alleles (0.00025%); highest among the groups gnomAD compares: Non-Finnish European, 0.00025%; no homozygotes.

Submission:

Labcorp Genetics (formerly Invitae), Labcorp
Classification: Uncertain significance for Fanconi anemia. Last evaluated: 2025-05-02. Review status: criteria provided, single submitter. Criteria: Invitae Variant Classification Sherloc (09022015). Collection method: clinical testing. Allele origin: germline.
Comment: This sequence change replaces serine, which is neutral and polar, with proline, which is neutral and non-polar, at codon 2004 of the FANCM protein (p.Ser2004Pro). This variant is present in population databases (rs760258217, gnomAD 0.0009%). This variant has not been reported in the literature in individuals affected with FANCM-related conditions. ClinVar contains an entry for this variant (Variation ID: 2767427). An algorithm developed to predict the effect of missense changes on protein structure and function (PolyPhen-2) suggests that this variant is likely to be disruptive. In summary, the available evidence is currently insufficient to determine the role of this variant in disease. Therefore, it has been classified as a Variant of Uncertain Significance.